The following is an entry in ClinVar:

NM_002900.3(RBP3):c.1424T>C (p.Ile475Thr)

Gene: RBP3 (retinol binding protein 3; plus strand). Cytogenetic location: 10q11.22.
Variant type: single nucleotide variant.
Coding change: c.1424T>C on transcript NM_002900.3 (MANE Select); coding-DNA position 1424, T replaced by C.
Protein change: p.Ile475Thr; replaces isoleucine 475 with threonine.
Molecular consequence: missense variant.
Genome position (GRCh38, 1-based): chr10:47,349,908, T>C. VCF-style: chr10-47349908-T-C. GRCh37 (hg19) VCF-style: chr10-48389454-A-G.
Other names: short protein forms I475T.
Identifiers: ClinVar variation 1486390 (VCV001486390.3), dbSNP rs923340055, ClinGen allele CA206461846.

ClinVar aggregate classification (germline): Uncertain significance (1 of 4 stars; one submission).

Allele frequency attached by ClinVar (database versions not stated): gnomAD exomes 0.00001; TOPMed 0.00005; gnomAD 0.00004.

Submission:

Labcorp Genetics (formerly Invitae), Labcorp
Classification: Uncertain significance. Last evaluated: 2021-09-20. Review status: criteria provided, single submitter. Criteria: Invitae Variant Classification Sherloc (09022015). Collection method: clinical testing. Allele origin: germline.
Comment: This sequence change replaces isoleucine with threonine at codon 475 of the RBP3 protein (p.Ile475Thr). The isoleucine residue is highly conserved and there is a moderate physicochemical difference between isoleucine and threonine. This variant is not present in population databases (ExAC no frequency). This variant has not been reported in the literature in individuals affected with RBP3-related conditions. Algorithms developed to predict the effect of missense changes on protein structure and function are either unavailable or do not agree on the potential impact of this missense change (SIFT: "Deleterious"; PolyPhen-2: "Possibly Damaging"; Align-GVGD: "Class C0"). In summary, the available evidence is currently insufficient to determine the role of this variant in disease. Therefore, it has been classified as a Variant of Uncertain Significance.